The following is an entry in ClinVar:

ClinVar aggregate classification (germline): Uncertain significance. Review status: criteria provided, multiple submitters, no conflicts (2 of 4 stars). 3 submissions from 3 submitters: Uncertain significance (3). Last evaluated 2025-04-28.

Conditions:
COL18A1-related disorder. Also called: COL18A1-related disorders; COL18A1-related condition.

Allele frequency attached by ClinVar (database versions not stated): gnomAD exomes below 0.00001 and 0.00001; TOPMed 0.00001.
gnomAD v4.1: 17 of 1,613,280 alleles (0.0011%); highest among the groups gnomAD compares: Middle Eastern, 0.18%; no homozygotes.

Submissions (3):

PreventionGenetics, part of Exact Sciences
Classification: Uncertain significance for COL18A1-related condition. Last evaluated: 2025-04-28. Review status: criteria provided, single submitter. Criteria: ACMG Guidelines, 2015. Collection method: clinical testing. Allele origin: germline.
Comment: The COL18A1 c.1793A>C variant is predicted to result in the amino acid substitution p.Asp598Ala. To our knowledge, this variant has not been reported in the literature. This variant is reported in 0.00089% of alleles in individuals of European (Non-Finnish) descent in gnomAD. At this time, the clinical significance of this variant is uncertain due to the absence of conclusive functional and genetic evidence.

Labcorp Genetics (formerly Invitae), Labcorp
Classification: Uncertain significance. Last evaluated: 2022-10-13. Review status: criteria provided, single submitter. Criteria: Invitae Variant Classification Sherloc (09022015). Collection method: clinical testing. Allele origin: germline.
Comment: This sequence change replaces aspartic acid, which is acidic and polar, with alanine, which is neutral and non-polar, at codon 418 of the COL18A1 protein (p.Asp418Ala). In summary, the available evidence is currently insufficient to determine the role of this variant in disease. Therefore, it has been classified as a Variant of Uncertain Significance. Experimental studies and prediction algorithms are not available or were not evaluated, and the functional significance of this variant is currently unknown. ClinVar contains an entry for this variant (Variation ID: 1418792). This variant has not been reported in the literature in individuals affected with COL18A1-related conditions. This variant is present in population databases (rs768548019, gnomAD 0.0009%).

Breakthrough Genomics
Classification: Uncertain significance. Review status: criteria provided, single submitter. Criteria: ACMG Guidelines, 2015. Collection method: not provided. Allele origin: germline. Inheritance: Autosomal dominant inheritance. Affected: yes.

NM_001379500.1(COL18A1):c.1253A>C (p.Asp418Ala)

Gene: COL18A1 (collagen type XVIII alpha 1 chain; plus strand). Cytogenetic location: 21q22.3.
Variant type: single nucleotide variant.
Coding change: c.1253A>C on transcript NM_001379500.1 (MANE Select); coding-DNA position 1253, A replaced by C.
Protein change: p.Asp418Ala; replaces aspartic acid 418 with alanine.
Molecular consequence: missense variant.
Genome position (GRCh38, 1-based): chr21:45,479,906, A>C. VCF-style: chr21-45479906-A-C. GRCh37 (hg19) VCF-style: chr21-46899820-A-C.
Other names: c.1793A>C, p.Asp598Ala (NM_030582.4); c.2498A>C, p.Asp833Ala (NM_130444.3); c.1793A>C (NM_030582.3); short protein forms D598A, D833A, D418A.
Identifiers: ClinVar variation 1418792 (VCV001418792.8), dbSNP rs768548019, ClinGen allele CA321917299.